The following is an entry in ClinVar:

NM_206962.4(PRMT2):c.309C>T (p.Phe103=)

Gene: PRMT2 (protein arginine methyltransferase 2; plus strand). Cytogenetic location: 21q22.3.
Variant type: single nucleotide variant.
Coding change: c.309C>T on transcript NM_206962.4 (MANE Select); coding-DNA position 309, C replaced by T.
Protein change: p.Phe103=; no amino-acid change (phenylalanine 103 retained).
Molecular consequence: synonymous variant.
Genome position (GRCh38, 1-based): chr21:46,644,470, C>T. VCF-style: chr21-46644470-C-T. GRCh37 (hg19) VCF-style: chr21-48064382-C-T.
Other names: c.309C>T, p.Phe103= (NM_001242864.3, NM_001242865.3, NM_001242866.3 and 4 more transcripts).
Identifiers: ClinVar variation 2652834 (VCV002652834.24), dbSNP rs144321816, ClinGen allele CA10083465.

ClinVar aggregate classification (germline): Likely benign (1 of 4 stars; one submission).

Allele frequency attached by ClinVar (database versions not stated): 1000 Genomes Project 0.00060; 1000 Genomes Project 30x 0.00078; TOPMed 0.00137; ESP Exome Variant Server 0.00200; gnomAD exomes 0.00202; gnomAD 0.00244; ExAC 0.00259.

Submission:

CeGaT Center for Human Genetics Tuebingen
Classification: Likely benign. Last evaluated: 2023-02-01. Review status: criteria provided, single submitter. Criteria: CeGaT Center For Human Genetics Tuebingen Variant Classification Criteria Version 2. Collection method: clinical testing. Allele origin: germline. Affected: yes. Observed: 2 variant alleles.
Comment: PRMT2: BP4, BP7